The following is an entry in ClinVar:

ClinVar aggregate classification (germline): Uncertain significance (1 of 4 stars; one submission).

Conditions:
Spastic paraplegia. Identifiers: MedGen C0037772, HP:0001258.

Allele frequency attached by ClinVar (database versions not stated): gnomAD exomes below 0.00001.
gnomAD v4.1: 1 of 1,614,078 alleles (0.000062%); highest among the groups gnomAD compares: Non-Finnish European, 0.000085%; no homozygotes.

Submission:

Labcorp Genetics (formerly Invitae), Labcorp
Classification: Uncertain significance for Spastic paraplegia. Last evaluated: 2019-08-17. Review status: criteria provided, single submitter. Criteria: Invitae Variant Classification Sherloc (09022015). Collection method: clinical testing. Allele origin: germline.
Comment: This sequence change replaces arginine with glycine at codon 2721 of the SACS protein (p.Arg2721Gly). The arginine residue is moderately conserved and there is a moderate physicochemical difference between arginine and glycine. Algorithms developed to predict the effect of missense changes on protein structure and function are either unavailable or do not agree on the potential impact of this missense change (SIFT: "Deleterious"; PolyPhen-2: "Probably Damaging"; Align-GVGD: "Class C0"). This variant has not been reported in the literature in individuals with SACS-related conditions. This variant is not present in population databases (ExAC no frequency). In summary, the available evidence is currently insufficient to determine the role of this variant in disease. Therefore, it has been classified as a Variant of Uncertain Significance.

NM_014363.6(SACS):c.8161A>G (p.Arg2721Gly)

Gene: SACS (sacsin molecular chaperone; minus strand). Cytogenetic location: 13q12.12.
Variant type: single nucleotide variant.
Coding change: c.8161A>G on transcript NM_014363.6 (MANE Select); coding-DNA position 8161, A replaced by G.
Protein change: p.Arg2721Gly; replaces arginine 2721 with glycine.
Molecular consequence: missense variant.
Genome position (GRCh38, 1-based): chr13:23,335,715, T>C on the plus strand (A>G on the coding strand, the complement: SACS is on the minus strand). VCF-style: chr13-23335715-T-C. GRCh37 (hg19) VCF-style: chr13-23909854-T-C.
Other names: c.7720A>G, p.Arg2574Gly (NM_001278055.2); short protein forms R2574G, R2721G.
Identifiers: ClinVar variation 945138 (VCV000945138.9), dbSNP rs1868522362, ClinGen allele CA387517249.